The following is an entry in ClinVar:

ClinVar aggregate classification (germline): Uncertain significance. Review status: criteria provided, multiple submitters, no conflicts (2 of 4 stars). 2 submissions from 2 submitters: Uncertain significance (2). Last evaluated 2024-11-19.

Conditions:
Cone-rod dystrophy 13 (CORD13). Identifiers: Orphanet 1872, MedGen C2750720, MONDO:0011987, OMIM 608194.
Leber congenital amaurosis 6 (LCA6). Identifiers: Orphanet 65, MedGen C1854260, MONDO:0013446, OMIM 613826.

Allele frequency attached by ClinVar (database versions not stated): ExAC 0.00006; gnomAD 0.00007; gnomAD exomes 0.00007; ESP Exome Variant Server 0.00008; TOPMed 0.00012.
gnomAD v4.1: 124 of 1,613,744 alleles (0.0077%); highest among the groups gnomAD compares: Middle Eastern, 0.13%; no homozygotes.

Submissions (2):

Blueprint Genetics
Classification: Uncertain significance. Last evaluated: 2024-11-19. Review status: criteria provided, single submitter. Criteria: ACMG Guidelines, 2015. Collection method: clinical testing. Allele origin: germline.

Labcorp Genetics (formerly Invitae), Labcorp
Classification: Uncertain significance for Leber congenital amaurosis 6; Cone-rod dystrophy 13. Last evaluated: 2022-10-05. Review status: criteria provided, single submitter. Criteria: Invitae Variant Classification Sherloc (09022015). Collection method: clinical testing. Allele origin: germline.
Comment: This sequence change replaces arginine, which is basic and polar, with glutamine, which is neutral and polar, at codon 867 of the RPGRIP1 protein (p.Arg867Gln). This variant is present in population databases (rs375012807, gnomAD 0.02%). This variant has not been reported in the literature in individuals affected with RPGRIP1-related conditions. ClinVar contains an entry for this variant (Variation ID: 958211). Advanced modeling of protein sequence and biophysical properties (such as structural, functional, and spatial information, amino acid conservation, physicochemical variation, residue mobility, and thermodynamic stability) performed at Invitae indicates that this missense variant is not expected to disrupt RPGRIP1 protein function. In summary, the available evidence is currently insufficient to determine the role of this variant in disease. Therefore, it has been classified as a Variant of Uncertain Significance.

NM_020366.4(RPGRIP1):c.2600G>A (p.Arg867Gln)

Gene: RPGRIP1 (RPGR interacting protein 1; plus strand). Cytogenetic location: 14q11.2.
Variant type: single nucleotide variant.
Coding change: c.2600G>A on transcript NM_020366.4 (MANE Select); coding-DNA position 2600, G replaced by A.
Protein change: p.Arg867Gln; replaces arginine 867 with glutamine.
Molecular consequence: missense variant. On other transcripts: intron variant (4).
Genome position (GRCh38, 1-based): chr14:21,326,063, G>A. VCF-style: chr14-21326063-G-A. GRCh37 (hg19) VCF-style: chr14-21794222-G-A.
Other names: c.1526G>A, p.Arg509Gln (NM_001377948.1); c.796+1338G>A (NM_001377949.1); c.689-1560G>A (NM_001377523.1, NM_001377950.1); c.191-1560G>A (NM_001377951.1); short protein forms R867Q, R509Q.
Identifiers: ClinVar variation 958211 (VCV000958211.6), dbSNP rs375012807, ClinGen allele CA7089298.